The following is an entry in ClinVar:

ClinVar aggregate classification (germline): Uncertain significance (1 of 4 stars; one submission).

Conditions:
Christianson syndrome (MRXSCH). Also called: X-linked mental retardation, syndromic, Christianson type; SLC9A6-Related Syndromic Mental Retardation; INTELLECTUAL DEVELOPMENTAL DISORDER, X-LINKED, SYNDROMIC, CHRISTIANSON TYPE. Identifiers: Orphanet 85278, MedGen C2678194, MONDO:0010278, OMIM 300243.

Submission:

Labcorp Genetics (formerly Invitae), Labcorp
Classification: Uncertain significance for Christianson syndrome. Last evaluated: 2024-11-03. Review status: criteria provided, single submitter. Criteria: Invitae Variant Classification Sherloc (09022015). Collection method: clinical testing. Allele origin: germline.
Comment: This sequence change replaces leucine, which is neutral and non-polar, with valine, which is neutral and non-polar, at codon 79 of the SLC9A6 protein (p.Leu79Val). This variant is not present in population databases (gnomAD no frequency). This variant has not been reported in the literature in individuals affected with SLC9A6-related conditions. Invitae Evidence Modeling of protein sequence and biophysical properties (such as structural, functional, and spatial information, amino acid conservation, physicochemical variation, residue mobility, and thermodynamic stability) indicates that this missense variant is not expected to disrupt SLC9A6 protein function with a negative predictive value of 80%. In summary, the available evidence is currently insufficient to determine the role of this variant in disease. Therefore, it has been classified as a Variant of Uncertain Significance.

NM_001379110.1(SLC9A6):c.79C>G (p.Leu27Val)

Genes: SLC9A6 (solute carrier family 9 member A6; plus strand), LOC130068747 (ATAC-STARR-seq lymphoblastoid active region 29988; plus strand). Cytogenetic location: Xq26.3.
Variant type: single nucleotide variant.
Coding change: c.79C>G on transcript NM_001379110.1 (MANE Select); coding-DNA position 79, C replaced by G.
Protein change: p.Leu27Val; replaces leucine 27 with valine.
Molecular consequence: missense variant.
Genome position (GRCh38, 1-based): chrX:135,985,737, C>G. VCF-style: chrX-135985737-C-G. GRCh37 (hg19) VCF-style: chrX-135067896-C-G.
Other names: c.235C>G, p.Leu79Val (NM_001042537.2, NM_006359.3); c.79C>G, p.Leu27Val (NM_001177651.2, NM_001330652.2, NM_001400909.1 and 4 more transcripts); short protein forms L27V, L79V.
Identifiers: ClinVar variation 3703573 (VCV003703573.2).